The following is an entry in ClinVar:

NM_000135.4(FANCA):c.2768A>C (p.Glu923Ala)

Gene: FANCA (FA complementation group A; minus strand). Cytogenetic location: 16q24.3.
Variant type: single nucleotide variant.
Coding change: c.2768A>C on transcript NM_000135.4 (MANE Select); coding-DNA position 2768, A replaced by C.
Protein change: p.Glu923Ala; replaces glutamic acid 923 with alanine.
Molecular consequence: missense variant.
Genome position (GRCh38, 1-based): chr16:89,764,900, T>G on the plus strand (A>C on the coding strand, the complement: FANCA is on the minus strand). VCF-style: chr16-89764900-T-G. GRCh37 (hg19) VCF-style: chr16-89831308-T-G.
Other names: c.2768A>C, p.Glu923Ala (NM_001286167.3); short protein forms E923A.
Identifiers: ClinVar variation 3572392 (VCV003572392.2).

ClinVar aggregate classification (germline): Uncertain significance. Review status: criteria provided, multiple submitters, no conflicts (2 of 4 stars). 2 submissions from 2 submitters: Uncertain significance (2). Last evaluated 2025-09-12.

Conditions:
Inborn genetic diseases. Identifiers: MedGen C0950123, MeSH D030342.

gnomAD v4.1: 2 of 1,614,010 alleles (0.00012%); highest among the groups gnomAD compares: Non-Finnish European, 0.00017%; no homozygotes.

Submissions (2):

Ambry Genetics
Classification: Uncertain significance for Inborn genetic diseases. Last evaluated: 2025-09-12. Review status: criteria provided, single submitter. Criteria: Ambry Variant Classification Scheme 2023. Collection method: clinical testing. Allele origin: germline.
Comment: The p.E923A variant (also known as c.2768A>C), located in coding exon 28 of the FANCA gene, results from an A to C substitution at nucleotide position 2768. The glutamic acid at codon 923 is replaced by alanine, an amino acid with dissimilar properties. This amino acid position is conserved. In addition, this alteration is predicted to be tolerated by in silico analysis. Based on the available evidence, the clinical significance of this variant remains unclear.

Quest Diagnostics Nichols Institute San Juan Capistrano
Classification: Uncertain significance. Last evaluated: 2024-05-16. Review status: criteria provided, single submitter. Criteria: Quest Diagnostics criteria. Collection method: clinical testing. Allele origin: unknown.
Comment: The FANCA c.2768A>C (p.Glu923Ala) variant has not been reported in individuals with FANCA-related conditions in the published literature. The frequency of this variant in the general population, 0.000004 (1/251446 chromosomes (Genome Aggregation Database)), is uninformative in the assessment of its pathogenicity. Analysis of this variant using bioinformatics tools for the prediction of the effect of amino acid changes on protein structure and function yielded predictions that this variant is benign. Based on the available information, we are unable to determine the clinical significance of this variant.